The following is an entry in ClinVar:

ClinVar aggregate classification (germline): Uncertain significance (1 of 4 stars; one submission).

Conditions:
Retinoblastoma (RB1). Also called: RETINOBLASTOMA, SOMATIC. Identifiers: Orphanet 790, MedGen C0035335, MeSH D012175, MONDO:0008380, OMIM 180200, HP:0009919. Disease mechanism: loss of function. Inheritance: Both sporadic and heritable forms are tested..

Submission:

Labcorp Genetics (formerly Invitae), Labcorp
Classification: Uncertain significance for Retinoblastoma. Last evaluated: 2025-06-18. Review status: criteria provided, single submitter. Criteria: Invitae Variant Classification Sherloc (09022015). Collection method: clinical testing. Allele origin: germline.
Comment: This variant occurs in a non-coding region of the RB1 gene. It does not change the encoded amino acid sequence of the RB1 protein. This variant is not present in population databases (gnomAD no frequency). This variant has not been reported in the literature in individuals affected with RB1-related conditions. Experimental studies and prediction algorithms are not available or were not evaluated, and the functional significance of this variant is currently unknown. In summary, the available evidence is currently insufficient to determine the role of this variant in disease. Therefore, it has been classified as a Variant of Uncertain Significance.

NM_000321.3(RB1):c.-86A>G

Gene: RB1 (RB transcriptional corepressor 1; plus strand). Cytogenetic location: 13q14.2.
Variant type: single nucleotide variant.
Coding change: c.-86A>G on transcript NM_000321.3 (MANE Select); 86 bases upstream of the start codon, A replaced by G.
Molecular consequence: 5 prime UTR variant.
Genome position (GRCh38, 1-based): chr13:48,303,827, A>G. VCF-style: chr13-48303827-A-G. GRCh37 (hg19) VCF-style: chr13-48877963-A-G.
Other names: c.-86A>G (NM_001407165.1, NM_001407166.1, NM_001407167.1).
Identifiers: ClinVar variation 4721661 (VCV004721661.1).
Genomic context (GRCh38, chr13:48,303,827, plus strand): 5'-AGGGCGCGTCCGGTTTTTCTCAGGGGACGTTGAAATTATTTTTGTAACGGGAGTCGGGAG[A>G]GGACGGGGCGTGCCCCGACGTGCGCGCGCGTCGTCCTCCCCGGCGCTCCTCCACAGCTCG-3'